The following is an entry in ClinVar:

NM_000262.3(NAGA):c.1009G>A (p.Ala337Thr)

Gene: NAGA (alpha-N-acetylgalactosaminidase; minus strand). Cytogenetic location: 22q13.2.
Variant type: single nucleotide variant.
Coding change: c.1009G>A on transcript NM_000262.3 (MANE Select); coding-DNA position 1009, G replaced by A.
Protein change: p.Ala337Thr; replaces alanine 337 with threonine.
Molecular consequence: missense variant.
Genome position (GRCh38, 1-based): chr22:42,061,016, C>T on the plus strand (G>A on the coding strand, the complement: NAGA is on the minus strand). VCF-style: chr22-42061016-C-T. GRCh37 (hg19) VCF-style: chr22-42457020-C-T.
Other names: c.1009G>A, p.Ala337Thr (NM_001362848.1, NM_001362850.1); short protein forms A337T.
Identifiers: ClinVar variation 2078695 (VCV002078695.2), dbSNP rs144560510, ClinGen allele CA10263623.

ClinVar aggregate classification (germline): Uncertain significance (1 of 4 stars; one submission).

Conditions:
Alpha-N-acetylgalactosaminidase deficiency type 1. Also called: SCHINDLER DISEASE, TYPE I; ALPHA-N-ACETYLGALACTOSAMINIDASE DEFICIENCY, TYPE I; NAGA DEFICIENCY, TYPE I; NEUROAXONAL DYSTROPHY, SCHINDLER TYPE. Identifiers: Orphanet 3137, Orphanet 79279, Orphanet 79281, MedGen C1836544, MONDO:0012221, OMIM 609241.

Allele frequency attached by ClinVar (database versions not stated): gnomAD exomes 0.00003; ExAC 0.00006; TOPMed 0.00007; ESP Exome Variant Server 0.00008; gnomAD 0.00009.
gnomAD v4.1: 66 of 1,614,078 alleles (0.0041%); highest among the groups gnomAD compares: African/African-American, 0.015%; no homozygotes.

Submission:

Labcorp Genetics (formerly Invitae), Labcorp
Classification: Uncertain significance for Alpha-N-acetylgalactosaminidase deficiency type 1. Last evaluated: 2026-01-19. Review status: criteria provided, single submitter. Criteria: Invitae Variant Classification Sherloc (09022015). Collection method: clinical testing. Allele origin: germline.
Comment: This sequence change replaces alanine, which is neutral and non-polar, with threonine, which is neutral and polar, at codon 337 of the NAGA protein (p.Ala337Thr). This variant is present in population databases (rs144560510, gnomAD 0.03%). This variant has not been reported in the literature in individuals affected with NAGA-related conditions. ClinVar contains an entry for this variant (Variation ID: 2078695). Invitae Evidence Modeling of protein sequence and biophysical properties (such as structural, functional, and spatial information, amino acid conservation, physicochemical variation, residue mobility, and thermodynamic stability) indicates that this missense variant is expected to disrupt NAGA protein function with a positive predictive value of 80%. In summary, the available evidence is currently insufficient to determine the role of this variant in disease. Therefore, it has been classified as a Variant of Uncertain Significance.